The following is an entry in ClinVar:

ClinVar aggregate classification (germline): Uncertain significance (1 of 4 stars; one submission).

Conditions:
SON-related disorder. Also called: SON-related condition.

Submission:

PreventionGenetics, part of Exact Sciences
Classification: Uncertain significance for SON-related condition. Last evaluated: 2025-06-30. Review status: criteria provided, single submitter. Criteria: ACMG Guidelines, 2015. Collection method: clinical testing. Allele origin: germline.
Comment: The SON c.545C>G variant is predicted to result in the amino acid substitution p.Ser182Cys. To our knowledge, this variant has not been reported in the literature or in a large population database (gnomAD), indicating this variant is rare. At this time, the clinical significance of this variant is uncertain due to the absence of conclusive functional and genetic evidence.

NM_138927.4(SON):c.545C>G (p.Ser182Cys)

Gene: SON (SON DNA and RNA binding protein; plus strand). Cytogenetic location: 21q22.11.
Variant type: single nucleotide variant.
Coding change: c.545C>G on transcript NM_138927.4 (MANE Select); coding-DNA position 545, C replaced by G.
Protein change: p.Ser182Cys; replaces serine 182 with cysteine.
Molecular consequence: missense variant. On other transcripts: non-coding transcript variant (1), intron variant (1).
Genome position (GRCh38, 1-based): chr21:33,549,776, C>G. VCF-style: chr21-33549776-C-G. GRCh37 (hg19) VCF-style: chr21-34922082-C-G.
Other names: c.545C>G, p.Ser182Cys (NM_001291411.2, NM_032195.3); c.244+3397C>G (NM_001291412.3); short protein forms S182C.
Identifiers: ClinVar variation 5000854 (VCV005000854.1).
Genomic context (GRCh38, chr21:33,549,776, plus strand): 5'-CTTCAGCTGTGGCGCTGGAGCTTCCTACAAGAGCATTTGGCCCATCTGAGACCAATGAAT[C>G]CCCTGCAGTTGTGCTAGAACCTCCTGTAGTATCAATGGAGGTATCAGAGCCACACATCTT-3'
Protein context (NP_620305.3, residues 172-192): RAFGPSETNE[Ser182Cys]PAVVLEPPVV